The following is an entry in ClinVar:

ClinVar aggregate classification (germline): Likely benign (1 of 4 stars; one submission).

Allele frequency attached by ClinVar (database versions not stated): 1000 Genomes Project 30x 0.00312; 1000 Genomes Project 0.00240; TOPMed 0.00468; gnomAD 0.00613.
gnomAD v4.1: 872 of 152,228 alleles (0.57%); highest among the groups gnomAD compares: Non-Finnish European, 0.8%; 1 homozygote.

Submission:

GeneDx
Classification: Likely benign. Last evaluated: 2018-06-19. Review status: criteria provided, single submitter. Criteria: GeneDx Variant Classification (06012015). Collection method: clinical testing. Allele origin: germline. Affected: yes.
Comment: This variant is considered likely benign or benign based on one or more of the following criteria: it is a conservative change, it occurs at a poorly conserved position in the protein, it is predicted to be benign by multiple in silico algorithms, and/or has population frequency not consistent with disease.

NM_017946.4(FKBP14):c.350-275A>G

Genes: FKBP14 (FKBP prolyl isomerase 14; minus strand), FKBP14-AS1 (FKBP14 antisense RNA 1; plus strand). Cytogenetic location: 7p14.3.
Variant type: single nucleotide variant.
Coding change: c.350-275A>G on transcript NM_017946.4 (MANE Select); 275 bases into the intron before coding-DNA position 350, A replaced by G.
Molecular consequence: intron variant.
Genome position (GRCh38, 1-based): chr7:30,019,398, T>C on the plus strand (A>G on the coding strand, the complement: FKBP14 is on the minus strand). VCF-style: chr7-30019398-T-C. GRCh37 (hg19) VCF-style: chr7-30059014-T-C.
Identifiers: ClinVar variation 674062 (VCV000674062.1), dbSNP rs117657528, ClinGen allele CA156001200.
Genomic context (GRCh38, chr7:30,019,398, plus strand): 5'-TTTGGCTTAGCAATTAAAATGTAAATACACATACACACAATGCATATACATACATAGAGA[T>C]GTACCTAATGGCTTAGGTATTACATTTCTAATATAATTAATATATTACATATTATATGTC-3'